The following is an entry in ClinVar:

ClinVar aggregate classification (germline): Uncertain significance (1 of 4 stars; one submission).

Conditions:
Epidermolysis bullosa simplex 3, localized or generalized intermediate, with BP230 deficiency (EBS3). Also called: Epidermolysis bullosa simplex, autosomal recessive 2; Epidermolysis bullosa simplex due to BP230 deficiency. Identifiers: Orphanet 412181, MedGen C3809470, MONDO:0014180, OMIM 615425.
Hereditary sensory and autonomic neuropathy type 6. Also called: HSAN VI; Neuropathy, hereditary sensory and autonomic, type VI. Identifiers: Orphanet 314381, MedGen C3539003, MONDO:0013839, OMIM 614653.

Allele frequency attached by ClinVar (database versions not stated): gnomAD exomes 0.00003 and 0.00009; gnomAD 0.00005 and 0.00006; TOPMed 0.00005; ExAC 0.00011.
gnomAD v4.1: 48 of 1,613,966 alleles (0.003%); highest among the groups gnomAD compares: Middle Eastern, 0.049%; no homozygotes.

Submission:

Labcorp Genetics (formerly Invitae), Labcorp
Classification: Uncertain significance for Epidermolysis bullosa simplex 3, localized or generalized intermediate, with BP230 deficiency; Hereditary sensory and autonomic neuropathy type 6. Last evaluated: 2024-12-07. Review status: criteria provided, single submitter. Criteria: Invitae Variant Classification Sherloc (09022015). Collection method: clinical testing. Allele origin: germline.
Comment: This sequence change replaces arginine, which is basic and polar, with cysteine, which is neutral and slightly polar, at codon 1239 of the DST protein (p.Arg1239Cys). This variant is present in population databases (rs371231287, gnomAD 0.1%). This variant has not been reported in the literature in individuals affected with DST-related conditions. ClinVar contains an entry for this variant (Variation ID: 357585). An algorithm developed to predict the effect of missense changes on protein structure and function (PolyPhen-2) suggests that this variant is likely to be disruptive. In summary, the available evidence is currently insufficient to determine the role of this variant in disease. Therefore, it has been classified as a Variant of Uncertain Significance.

NM_001723.7(DST):c.3715C>T (p.Arg1239Cys)

Gene: DST (dystonin; minus strand). Cytogenetic location: 6p12.1.
Variant type: single nucleotide variant.
Coding change: c.3715C>T on transcript NM_001723.7 (MANE Plus Clinical); coding-DNA position 3715, C replaced by T.
Protein change: p.Arg1239Cys; replaces arginine 1239 with cysteine.
Molecular consequence: missense variant. On other transcripts: intron variant (10).
Genome position (GRCh38, 1-based): chr6:56,620,319, G>A on the plus strand (C>T on the coding strand, the complement: DST is on the minus strand). VCF-style: chr6-56620319-G-A. GRCh37 (hg19) VCF-style: chr6-56485117-G-A.
Other names: c.4830+4211C>T (NM_001144769.5); c.4929+4211C>T (NM_001374722.1, NM_001374736.1); c.4956+4211C>T (NM_001374734.1); c.4416+4211C>T (NM_001144770.2); c.4296+4211C>T (NM_001374730.1, NM_001386100.1, NM_183380.4 and 1 more transcripts); c.3318+4211C>T (NM_015548.5); short protein forms R1239C.
Identifiers: ClinVar variation 357585 (VCV000357585.14), dbSNP rs371231287, ClinGen allele CA3870662.
Genomic context (GRCh38, chr6:56,620,319, plus strand): 5'-TTCTTTTAAGATGATCTTCCAGTGTTCGTCTGGTAAAGGTGTTTTCCTCCAACTGATTGC[G>A]AAAATTCAGGAGGTTCTCTTCCACGGCAGCTCTTTTAGCCTCGGCCTCTATGGTGAGCTG-3'
Protein context (NP_001714.1, residues 1229-1249): AAVEENLLNF[Arg1239Cys]NQLEENTFTR